The following is an entry in ClinVar:

NM_003179.3(SYP):c.654C>A (p.Asn218Lys)

Gene: SYP (synaptophysin; minus strand). Cytogenetic location: Xp11.23.
Variant type: single nucleotide variant.
Coding change: c.654C>A on transcript NM_003179.3 (MANE Select); coding-DNA position 654, C replaced by A.
Protein change: p.Asn218Lys; replaces asparagine 218 with lysine.
Molecular consequence: missense variant.
Genome position (GRCh38, 1-based): chrX:49,191,725, G>T on the plus strand (C>A on the coding strand, the complement: SYP is on the minus strand). VCF-style: chrX-49191725-G-T. GRCh37 (hg19) VCF-style: chrX-49048182-G-T.
Other names: short protein forms N218K.
Identifiers: ClinVar variation 3376337 (VCV003376337.1).
Genomic context (GRCh38, chrX:49,191,725, plus strand): 5'-GCCGGGAGGCGCGCGCAGGAACGGGGCGGCCCAGCCTGTCTCCTTAAACACGAACCACAG[G>T]TTGCCGACCCAGAGCACCAGGTTCAGGAAGCCGAACACCTGCAGGGAGACAAGGCTCGGC-3'
Protein context (NP_003170.1, residues 208-228): GFLNLVLWVG[Asn218Lys]LWFVFKETGW

ClinVar aggregate classification (germline): Uncertain significance (1 of 4 stars; one submission).

Conditions:
Intellectual developmental disorder, X-linked 96. Also called: Intellectual disability, X-linked 96. Identifiers: Orphanet 777, MedGen C3275408, MONDO:0010429, OMIM 300802.

Submission:

Pittsburgh Clinical Genomics Laboratory, University of Pittsburgh Medical Center
Classification: Uncertain significance for Intellectual developmental disorder, X-linked 96. Last evaluated: 2023-04-12. Review status: criteria provided, single submitter. Criteria: ACMG Guidelines, 2015. Collection method: clinical testing. Allele origin: germline. Inheritance: X-linked recessive inheritance. Affected: yes.
Comment: This sequence variant is a single nucleotide substitution (C>A) at coding position 654 in the SYP gene which results in an asparagine to lysine amino acid change at residue 218 in the SYP protein. This novel variant has not been reported in clinical genetics databases or observed in the medical literature in individuals with SYP-related disease, to our knowledge. This variant is absent from the gnomAD population database (0/~163500 alleles). Asparagine is highly conserved at this protein position in vertebrates, yet bioinformatic tools are inconclusive if this amino acid change is likely to be damaging or tolerated. Functiol studies assessing the effect of this variant on protein structure or activity have not been performed, to our knowledge. At this time, there is insufficient evidence to determine if this variant is pathogenic or benign. Therefore, we consider it to be a variant of uncertain significance. ACMG Criteria: PM2